The following is an entry in ClinVar:

NM_003737.4(DCHS1):c.4154C>A (p.Ser1385Ter)

Gene: DCHS1 (dachsous cadherin-related 1; minus strand). Cytogenetic location: 11p15.4.
Variant type: single nucleotide variant.
Coding change: c.4154C>A on transcript NM_003737.4 (MANE Select); coding-DNA position 4154, C replaced by A.
Protein change: p.Ser1385Ter; replaces serine 1385 with a stop codon.
Molecular consequence: nonsense.
Genome position (GRCh38, 1-based): chr11:6,630,640, G>T on the plus strand (C>A on the coding strand, the complement: DCHS1 is on the minus strand). VCF-style: chr11-6630640-G-T. GRCh37 (hg19) VCF-style: chr11-6651871-G-T.
Other names: short protein forms S1385*.
Identifiers: ClinVar variation 2859078 (VCV002859078.3), dbSNP rs1564864112, ClinGen allele CA379407177.
Genomic context (GRCh38, chr11:6,630,640, plus strand): 5'-AGCGCGCGCCACGGCGGGCCAGCTTCGAAGTCCAGGGGCCGCGCCAGGTACAAGCGCCCT[G>T]AGGCCGCATCCAGCGCGAAGGTGCCCTCGGGATCGGCACCGCCCACCAGTGTGTAGGTGA-3'

ClinVar aggregate classification (germline): Pathogenic (1 of 4 stars; one submission).

Submission:

Labcorp Genetics (formerly Invitae), Labcorp
Classification: Pathogenic. Last evaluated: 2023-04-25. Review status: criteria provided, single submitter. Criteria: Invitae Variant Classification Sherloc (09022015). Collection method: clinical testing. Allele origin: germline.
Comment: This sequence change creates a premature translational stop signal (p.Ser1385*) in the DCHS1 gene. It is expected to result in an absent or disrupted protein product. Loss-of-function variants in DCHS1 are known to be pathogenic (PMID: 24056717, 26258302). For these reasons, this variant has been classified as Pathogenic. This variant has not been reported in the literature in individuals affected with DCHS1-related conditions. This variant is not present in population databases (gnomAD no frequency).

Literature cited by the submitters: PubMed 24056717; PubMed 26258302.